The following is an entry in ClinVar:

NM_006231.4(POLE):c.5968G>C (p.Ala1990Pro)

Gene: POLE (DNA polymerase epsilon, catalytic subunit; minus strand). Cytogenetic location: 12q24.33.
Variant type: single nucleotide variant.
Coding change: c.5968G>C on transcript NM_006231.4 (MANE Select); coding-DNA position 5968, G replaced by C.
Protein change: p.Ala1990Pro; replaces alanine 1990 with proline.
Molecular consequence: missense variant.
Genome position (GRCh38, 1-based): chr12:132,634,222, C>G on the plus strand (G>C on the coding strand, the complement: POLE is on the minus strand). VCF-style: chr12-132634222-C-G. GRCh37 (hg19) VCF-style: chr12-133210808-C-G.
Other names: short protein forms A1990P.
Identifiers: ClinVar variation 473777 (VCV000473777.14), dbSNP rs1313175914, ClinGen allele CA387371481.

ClinVar aggregate classification (germline): Uncertain significance. Review status: criteria provided, multiple submitters, no conflicts (2 of 4 stars). 2 submissions from 2 submitters: Uncertain significance (2). Last evaluated 2025-03-24.

Conditions:
Hereditary cancer-predisposing syndrome. Also called: Neoplastic Syndromes, Hereditary; Tumor predisposition; Hereditary Cancer Syndrome; Hereditary neoplastic syndrome. Identifiers: Orphanet 140162, MedGen C0027672, MeSH D009386, MONDO:0015356.

Allele frequency attached by ClinVar (database versions not stated): TOPMed below 0.00001; gnomAD 0.00001.
gnomAD v4.1: 1 of 1,613,706 alleles (0.000062%); highest among the groups gnomAD compares: Non-Finnish European, 0.000085%; no homozygotes.

Submissions (2):

Ambry Genetics
Classification: Uncertain significance for Hereditary cancer-predisposing syndrome. Last evaluated: 2025-03-24. Review status: criteria provided, single submitter. Criteria: Ambry Variant Classification Scheme 2023. Collection method: clinical testing. Allele origin: germline.
Comment: The p.A1990P variant (also known as c.5968G>C), located in coding exon 43 of the POLE gene, results from a G to C substitution at nucleotide position 5968. The alanine at codon 1990 is replaced by proline, an amino acid with highly similar properties. This amino acid position is conserved. In addition, this alteration is predicted to be deleterious by in silico analysis. Based on the available evidence, the clinical significance of this variant remains unclear.

Labcorp Genetics (formerly Invitae), Labcorp
Classification: Uncertain significance. Last evaluated: 2023-01-26. Review status: criteria provided, single submitter. Criteria: Invitae Variant Classification Sherloc (09022015). Collection method: clinical testing. Allele origin: germline.
Comment: This sequence change replaces alanine, which is neutral and non-polar, with proline, which is neutral and non-polar, at codon 1990 of the POLE protein (p.Ala1990Pro). This variant is not present in population databases (gnomAD no frequency). This variant has not been reported in the literature in individuals affected with POLE-related conditions. ClinVar contains an entry for this variant (Variation ID: 473777). Algorithms developed to predict the effect of missense changes on protein structure and function (SIFT, PolyPhen-2, Align-GVGD) all suggest that this variant is likely to be tolerated. In summary, the available evidence is currently insufficient to determine the role of this variant in disease. Therefore, it has been classified as a Variant of Uncertain Significance.